The following is an entry in ClinVar:

ClinVar aggregate classification (germline): Pathogenic (1 of 4 stars; one submission).

Submission:

Quest Diagnostics Nichols Institute San Juan Capistrano
Classification: Pathogenic. Last evaluated: 2021-11-20. Review status: criteria provided, single submitter. Criteria: ACMG/ClinGen CNV Guidelines, 2019. Collection method: clinical testing. Allele origin: unknown.
Comment: The large Xp22.11p21.1 deletion involves multiple protein-coding genes, including multiple genes associated with X-linked disorders: ARX (OMIM 300382), GK (OMIM 300474), IL1RAPL1 (OMIM 300206), NR0B1 (OMIM 300473), and multiple exons of the 3-prime portion of DMD (OMIM 300377; NM_004006.3) and POLA1 (OMIM 312040; NM_016937.4). Deletions overlapping this region are associated with chromosome Xp21 deletion syndrome (OMIM 300679), a rare contiguous gene deletion syndrome characterized by co-occurrence of disorders such as congenital adrenal hypoplasia, Duchenne muscular dystrophy, chronic granulomatous disease, retinitis pigmentosa, ornithine transcarbamylase deficiency, glycerol kinase deficiency, and intellectual disability (Rathnasiri 2021, Koh 2013, Sevim 2011, Stanczak 2007). The clinical features depend on the size and gene content of the deleted interval. In males, haploinsufficiency of some of the genes in this interval would be expected to result in glycerol kinase deficiency (GK; OMIM 300474), Duchenne muscular dystrophy (DMD; OMIM 310200), congenital adrenal hypoplasia (AHC; OMIM 300200), intellectual developmental disorder-21 (XLID21; OMIM 300143), lissencephaly-2 (LISX2; OMIM 300215), and possibly other X-linked disorders. More than 100 male patients have been reported so far, while only a few symptomatic female carriers have been described due skewed X-chromosome inactivation (Heide 2015, Shaikh 2008). Symptomatic female carriers of a pathogenic Xp21 deletion can present with some aspects of the phenotypic and developmental abnormalities seen in males. Norman and Harper reported that 2.5% of the DMD carriers have clinical evidence of a muscle disease (1989). Thus, clinical consequence of this pathogenic copy number variant (CNV) in females is unclear. References: Heide et al. Eur J Med Genet. 2015 Jun-Jul;58(6-7):341-5. PMID: 25917374. Karaca et al., Neuron. 2015 Nov 4;88(3):499-513. PMID: 26539891. Koh et al., Ann Pediatr Endocrinol Metab. 2013 Jun;18(2):90-4. PMID: 24904859. Rathnasiri et al., BMC Endocr Disord. 2021 Oct 24;21(1):214. PMID: 34689766. Sevim et al., J Pediatr Endocrinol Metab. 2011;24(11-12):1095-8. PMID: 22308874. Shaikh et al., J Med Genet. 2008;45 (9). PMID: 18762570. Stanczak et al., Hum Mutat. 2007 Mar;28(3):235-42. PMID: 17089405.

GRCh37/hg19 Xp22.11-21.1(chrX:24879855-32902136)x1

Genes: ARX (aristaless related homeobox; minus strand), DCAF8L1 (DDB1 and CUL4 associated factor 8 like 1; minus strand), DCAF8L2 (DDB1 and CUL4 associated factor 8 like 2; plus strand), DMD (dystrophin; minus strand), FTHL17 (ferritin heavy chain like 17; minus strand) and 14 more. Cytogenetic location: Xp22.11-21.1.
Variant type: copy number loss.
Change: copy number 1 of chrX:24,879,855-32,902,136 (8.02 Mb, GRCh37 coordinates, 1-based), cytogenetic band Xp22.11-21.1.
Identifiers: ClinVar variation 1807810 (VCV001807810.1).